The following is an entry in ClinVar:

NM_017763.6(RNF43):c.953-5dup

Gene: RNF43 (ring finger protein 43; minus strand). Cytogenetic location: 17q22.
Variant type: Duplication.
Coding change: c.953-5dup on transcript NM_017763.6 (MANE Select); 5 bases into the intron before coding-DNA position 953, one base duplicated (T; older notation c.953-5dupT).
Molecular consequence: intron variant.
Genome position (GRCh38, 1-based): chr17:58,358,828, A duplicated on the plus strand (T on the coding strand, the reverse complement: RNF43 is on the minus strand); the first of 6 consecutive A bases (chr17:58,358,828-58,358,833); duplicating any one gives the same sequence. VCF-style (leftmost placement, unchanged base first): chr17-58358827-G-GA. GRCh37 (hg19) VCF-style: chr17-56436188-G-GA.
Other names: c.953-5dup (NM_001438822.1, NM_001305544.3, NM_001438820.1 and 1 more transcripts); c.572-5dup (NM_001305545.2, NM_001437987.1); c.953-5dupT (NM_017763.4).
Identifiers: ClinVar variation 4875739 (VCV004875739.2).

ClinVar aggregate classification (germline): Likely benign. Review status: criteria provided, multiple submitters, no conflicts (2 of 4 stars). 2 submissions from 2 submitters: Likely benign (2). Last evaluated 2026-06-26.

Conditions:
Sessile serrated polyposis cancer syndrome (SSPCS). Identifiers: Orphanet 157798, MedGen C4310714, MONDO:0014919, OMIM 617108.

Submissions (2):

Myriad Genetics, Inc.
Classification: Likely benign for Sessile serrated polyposis cancer syndrome. Last evaluated: 2026-06-26. Review status: criteria provided, single submitter. Criteria: Myriad Autosomal Dominant, Autosomal Recessive and X-Linked Classification Criteria (2023). Collection method: clinical testing. Allele origin: unknown.
Comment: This variant is considered likely benign. This variant is intronic and is not expected to impact mRNA splicing.

Ambry Genetics
Classification: Likely benign. Last evaluated: 2026-06-23. Review status: criteria provided, single submitter. Criteria: Ambry Variant Classification Scheme 2023. Collection method: clinical testing. Allele origin: germline.